The following is an entry in ClinVar:

ClinVar aggregate classification (germline): Pathogenic (1 of 4 stars; one submission).

Conditions:
Glycogen storage disease, type IV (GSD4). Also called: AMYLOPECTINOSIS; ANDERSEN DISEASE; BRANCHER DEFICIENCY; CIRRHOSIS, FAMILIAL, WITH DEPOSITION OF ABNORMAL GLYCOGEN; GBE1 DEFICIENCY; GLYCOGEN BRANCHING ENZYME DEFICIENCY. Identifiers: Orphanet 367, MedGen C0017923, MONDO:0009292, OMIM 232500.

Submission:

Myriad Genetics, Inc.
Classification: Pathogenic for Glycogen storage disease, type IV. Last evaluated: 2023-09-27. Review status: criteria provided, single submitter. Criteria: Myriad Autosomal Dominant, Autosomal Recessive and X-Linked Classification Criteria (2023). Collection method: clinical testing. Allele origin: unknown.
Comment: NM_000158.3(GBE1):c.1174dupT(Y392Lfs*21) is expected to be pathogenic in the context of glycogen storage disease, GBE1-related. This variant is predicted to lead to an abnormal or absent protein product due to the creation of a premature termination codon in GBE1, a gene where loss-of-function variants are known to be pathogenic. Please note: this variant was assessed in the context of healthy population screening.

NM_000158.4(GBE1):c.1174dup (p.Tyr392fs)

Gene: GBE1 (1,4-alpha-glucan branching enzyme 1; minus strand). Cytogenetic location: 3p12.2.
Variant type: Duplication.
Coding change: c.1174dup on transcript NM_000158.4 (MANE Select); coding-DNA position 1174, one base duplicated (T; older notation c.1174dupT).
Protein change: p.Tyr392fs; shifts the reading frame from tyrosine 392.
Molecular consequence: frameshift variant.
Genome position (GRCh38, 1-based): chr3:81,591,099, A duplicated on the plus strand (T on the coding strand, the reverse complement: GBE1 is on the minus strand); the first of 2 consecutive A bases (chr3:81,591,099-81,591,100); duplicating either gives the same sequence. VCF-style (leftmost placement, unchanged base first): chr3-81591098-T-TA. GRCh37 (hg19) VCF-style: chr3-81640249-T-TA.
Other names: short protein forms Y392fs.
Identifiers: ClinVar variation 5012298 (VCV005012298.1).
Genomic context (GRCh38, chr3:81,591,098, plus strand): 5'-TCAGCTATTGTTATAGAATCGGGACACAGCGTGTGAACCAAATGATTTGCCAACATGAGG[T>TA]AAGTCAAGGCATCTTCATCTACTTGTAGTCCGAAATATTCACTGTAATCACCTGAGAAAC-3'